The following is an entry in ClinVar:

NM_004082.5(DCTN1):c.1069A>G (p.Ser357Gly)

Gene: DCTN1 (dynactin subunit 1; minus strand). Cytogenetic location: 2p13.1.
Variant type: single nucleotide variant.
Coding change: c.1069A>G on transcript NM_004082.5 (MANE Select); coding-DNA position 1069, A replaced by G.
Protein change: p.Ser357Gly; replaces serine 357 with glycine.
Molecular consequence: missense variant. On other transcripts: non-coding transcript variant (1).
Genome position (GRCh38, 1-based): chr2:74,370,524, T>C on the plus strand (A>G on the coding strand, the complement: DCTN1 is on the minus strand). VCF-style: chr2-74370524-T-C. GRCh37 (hg19) VCF-style: chr2-74597651-T-C.
Other names: c.1009A>G, p.Ser337Gly (NM_001135040.3); c.667A>G, p.Ser223Gly (NM_001135041.3, NM_023019.4); c.958A>G, p.Ser320Gly (NM_001190836.2); c.1048A>G, p.Ser350Gly (NM_001190837.2); c.1018A>G, p.Ser340Gly (NM_001378991.1); c.1000A>G, p.Ser334Gly (NM_001378992.1); short protein forms S350G, S223G, S357G, S334G, S340G, S320G, S337G.
Identifiers: ClinVar variation 4793962 (VCV004793962.1).

ClinVar aggregate classification (germline): Uncertain significance (1 of 4 stars; one submission).

Conditions:
Amyotrophic lateral sclerosis type 1 (ALS1). Also called: AMYOTROPHIC LATERAL SCLEROSIS 1, FAMILIAL. Identifiers: Orphanet 803, MedGen C1862939, MONDO:0007103, OMIM 105400.
Neuronopathy, distal hereditary motor, type 7B. Also called: NEURONOPATHY, DISTAL HEREDITARY MOTOR, AUTOSOMAL DOMINANT 14; NEURONOPATHY, DISTAL HEREDITARY MOTOR, HARDING TYPE VIIB; NEUROPATHY, DISTAL HEREDITARY MOTOR, HARDING TYPE VIIB; NEUROPATHY, DISTAL HEREDITARY MOTOR, WITH VOCAL CORD PARALYSIS, HARDING TYPE VIIB; HMN VIIB; LOWER MOTOR NEURON DISEASE, DYNACTIN TYPE. Identifiers: Orphanet 139589, MedGen C1843315, MONDO:0011879, OMIM 607641.
Perry syndrome. Also called: PARKINSONISM WITH ALVEOLAR HYPOVENTILATION AND MENTAL DEPRESSION. Identifiers: Orphanet 178509, MedGen C1868594, MONDO:0008201, OMIM 168605.

gnomAD v4.1: 2 of 1,614,184 alleles (0.00012%); highest among the groups gnomAD compares: East Asian, 0.0045%; no homozygotes.

Submission:

Labcorp Genetics (formerly Invitae), Labcorp
Classification: Uncertain significance for Amyotrophic lateral sclerosis type 1; Neuronopathy, distal hereditary motor, type 7B; Perry syndrome. Last evaluated: 2025-03-15. Review status: criteria provided, single submitter. Criteria: Invitae Variant Classification Sherloc (09022015). Collection method: clinical testing. Allele origin: germline.
Comment: This sequence change replaces serine, which is neutral and polar, with glycine, which is neutral and non-polar, at codon 357 of the DCTN1 protein (p.Ser357Gly). This variant is present in population databases (no rsID available, gnomAD 0.01%). This variant has not been reported in the literature in individuals affected with DCTN1-related conditions. Invitae Evidence Modeling of protein sequence and biophysical properties (such as structural, functional, and spatial information, amino acid conservation, physicochemical variation, residue mobility, and thermodynamic stability) indicates that this missense variant is not expected to disrupt DCTN1 protein function with a negative predictive value of 95%. In summary, the available evidence is currently insufficient to determine the role of this variant in disease. Therefore, it has been classified as a Variant of Uncertain Significance.